The following is an entry in ClinVar:

NM_012282.4(KCNE5):c.265G>A (p.Glu89Lys)

Gene: KCNE5 (potassium voltage-gated channel subfamily E regulatory subunit 5; minus strand). Cytogenetic location: Xq23.
Variant type: single nucleotide variant.
Coding change: c.265G>A on transcript NM_012282.4 (MANE Select); coding-DNA position 265, G replaced by A.
Protein change: p.Glu89Lys; replaces glutamic acid 89 with lysine.
Molecular consequence: missense variant.
Genome position (GRCh38, 1-based): chrX:109,624,756, C>T on the plus strand (G>A on the coding strand, the complement: KCNE5 is on the minus strand). VCF-style: chrX-109624756-C-T. GRCh37 (hg19) VCF-style: chrX-108867985-C-T.
Other names: short protein forms E89K.
Identifiers: ClinVar variation 2078643 (VCV002078643.4), dbSNP rs1189341930, ClinGen allele CA414213397.

ClinVar aggregate classification (germline): Uncertain significance (1 of 4 stars; one submission).

Conditions:
Brugada syndrome. Also called: Sudden Unexplained Death Syndrome; Sudden Unexplained Nocturnal Death Syndrome (SUNDS); Sudden unexplained nocturnal death syndrome; Sudden unexpected nocturnal death syndrome. Identifiers: Orphanet 130, MedGen C1142166, MONDO:0015263.

Submission:

Labcorp Genetics (formerly Invitae), Labcorp
Classification: Uncertain significance for Brugada syndrome. Last evaluated: 2022-01-11. Review status: criteria provided, single submitter. Criteria: Invitae Variant Classification Sherloc (09022015). Collection method: clinical testing. Allele origin: germline.
Comment: In summary, the available evidence is currently insufficient to determine the role of this variant in disease. Therefore, it has been classified as a Variant of Uncertain Significance. Algorithms developed to predict the effect of missense changes on protein structure and function output the following: SIFT: "Deleterious"; PolyPhen-2: "Benign"; Align-GVGD: "Class C15". The lysine amino acid residue is found in multiple mammalian species, which suggests that this missense change does not adversely affect protein function. This variant has not been reported in the literature in individuals affected with KCNE5-related conditions. This variant is not present in population databases (gnomAD no frequency). This sequence change replaces glutamic acid, which is acidic and polar, with lysine, which is basic and polar, at codon 89 of the KCNE5 protein (p.Glu89Lys).